The following is an entry in ClinVar:

NM_001364905.1(LRBA):c.2564A>G (p.Glu855Gly)

Gene: LRBA (LPS responsive beige-like anchor protein; minus strand). Cytogenetic location: 4q31.3.
Variant type: single nucleotide variant.
Coding change: c.2564A>G on transcript NM_001364905.1 (MANE Select); coding-DNA position 2564, A replaced by G.
Protein change: p.Glu855Gly; replaces glutamic acid 855 with glycine.
Molecular consequence: missense variant.
Genome position (GRCh38, 1-based): chr4:150,868,191, T>C on the plus strand (A>G on the coding strand, the complement: LRBA is on the minus strand). VCF-style: chr4-150868191-T-C. GRCh37 (hg19) VCF-style: chr4-151789343-T-C.
Other names: c.2564A>G, p.Glu855Gly (NM_001199282.3, NM_001367550.1, NM_006726.5); short protein forms E855G.
Identifiers: ClinVar variation 571050 (VCV000571050.8), dbSNP rs1218661905, ClinGen allele CA358465191.

ClinVar aggregate classification (germline): Uncertain significance (1 of 4 stars; one submission).

Conditions:
Combined immunodeficiency due to LRBA deficiency. Also called: Common variable immunodeficiency 8, with autoimmunity. Identifiers: Orphanet 445018, MedGen C3553512, MONDO:0013863, OMIM 614700.

Allele frequency attached by ClinVar (database versions not stated): gnomAD exomes below 0.00001.
gnomAD v4.1: 4 of 1,611,434 alleles (0.00025%); highest among the groups gnomAD compares: Non-Finnish European, 0.00034%; no homozygotes.

Submission:

Labcorp Genetics (formerly Invitae), Labcorp
Classification: Uncertain significance for Combined immunodeficiency due to LRBA deficiency. Last evaluated: 2018-06-13. Review status: criteria provided, single submitter. Criteria: Invitae Variant Classification Sherloc (09022015). Collection method: clinical testing. Allele origin: germline.
Comment: This sequence change replaces glutamic acid with glycine at codon 855 of the LRBA protein (p.Glu855Gly). The glutamic acid residue is moderately conserved and there is a moderate physicochemical difference between glutamic acid and glycine. This variant is not present in population databases (ExAC no frequency). This variant has not been reported in the literature in individuals with LRBA-related disease. Algorithms developed to predict the effect of missense changes on protein structure and function do not agree on the potential impact of this missense change (SIFT: "Tolerated"; PolyPhen-2: "Probably Damaging"; Align-GVGD: "Class C0"). In summary, the available evidence is currently insufficient to determine the role of this variant in disease. Therefore, it has been classified as a Variant of Uncertain Significance.